The following is an entry in ClinVar:

ClinVar aggregate classification (germline): Uncertain significance (1 of 4 stars; one submission).

gnomAD v4.1: 2 of 1,614,116 alleles (0.00012%); highest among the groups gnomAD compares: Non-Finnish European, 0.00017%; no homozygotes.

Submission:

Labcorp Genetics (formerly Invitae), Labcorp
Classification: Uncertain significance. Last evaluated: 2022-10-19. Review status: criteria provided, single submitter. Criteria: Invitae Variant Classification Sherloc (09022015). Collection method: clinical testing. Allele origin: germline.
Comment: This sequence change replaces arginine, which is basic and polar, with histidine, which is basic and polar, at codon 204 of the B4GALT1 protein (p.Arg204His). This variant is not present in population databases (gnomAD no frequency). This variant has not been reported in the literature in individuals affected with B4GALT1-related conditions. Advanced modeling of protein sequence and biophysical properties (such as structural, functional, and spatial information, amino acid conservation, physicochemical variation, residue mobility, and thermodynamic stability) performed at Invitae indicates that this missense variant is expected to disrupt B4GALT1 protein function. In summary, the available evidence is currently insufficient to determine the role of this variant in disease. Therefore, it has been classified as a Variant of Uncertain Significance.

NM_001497.4(B4GALT1):c.611G>A (p.Arg204His)

Gene: B4GALT1 (beta-1,4-galactosyltransferase 1; minus strand). Cytogenetic location: 9p21.1.
Variant type: single nucleotide variant.
Coding change: c.611G>A on transcript NM_001497.4 (MANE Select); coding-DNA position 611, G replaced by A.
Protein change: p.Arg204His; replaces arginine 204 with histidine.
Molecular consequence: missense variant.
Genome position (GRCh38, 1-based): chr9:33,135,226, C>T on the plus strand (G>A on the coding strand, the complement: B4GALT1 is on the minus strand). VCF-style: chr9-33135226-C-T. GRCh37 (hg19) VCF-style: chr9-33135224-C-T.
Other names: c.572G>A, p.Arg191His (NM_001378495.1); c.611G>A, p.Arg204His (NM_001378496.1, NM_001378497.1); short protein forms R191H, R204H.
Identifiers: ClinVar variation 2063353 (VCV002063353.4), dbSNP rs942498425, ClinGen allele CA192443185.